The following is an entry in ClinVar:

NM_000702.4(ATP1A2):c.2271G>A (p.Thr757=)

Gene: ATP1A2 (ATPase Na+/K+ transporting subunit alpha 2; plus strand). Cytogenetic location: 1q23.2.
Variant type: single nucleotide variant.
Coding change: c.2271G>A on transcript NM_000702.4 (MANE Select); coding-DNA position 2271, G replaced by A.
Protein change: p.Thr757=; no amino-acid change (threonine 757 retained).
Molecular consequence: synonymous variant.
Genome position (GRCh38, 1-based): chr1:160,135,589, G>A. VCF-style: chr1-160135589-G-A. GRCh37 (hg19) VCF-style: chr1-160105379-G-A.
Other names: p.T757T:ACG>ACA.
Identifiers: ClinVar variation 204895 (VCV000204895.7), dbSNP rs202094576, ClinGen allele CA313304.

ClinVar aggregate classification (germline): Conflicting classifications of pathogenicity. Review status: criteria provided, conflicting classifications (1 of 4 stars). 2 submissions from 2 submitters: Uncertain significance (1); Likely benign (1). Last evaluated 2025-10-27.

Conditions:
Familial hemiplegic migraine. Identifiers: MedGen C0338484, MONDO:0000700.

Allele frequency attached by ClinVar (database versions not stated): TOPMed 0.00002; gnomAD 0.00003; ESP Exome Variant Server 0.00015.
gnomAD v4.1: 116 of 1,613,832 alleles (0.0072%); highest among the groups gnomAD compares: South Asian, 0.02%; no homozygotes.

Submissions (2):

Labcorp Genetics (formerly Invitae), Labcorp
Classification: Likely benign for Familial hemiplegic migraine. Last evaluated: 2025-10-27. Review status: criteria provided, single submitter. Criteria: Invitae Variant Classification Sherloc (09022015). Collection method: clinical testing. Allele origin: germline.

GeneDx
Classification: Uncertain significance. Last evaluated: 2015-12-22. Review status: criteria provided, single submitter. Criteria: GeneDx Variant Classification (06012015). Collection method: clinical testing. Allele origin: germline. Affected: yes.
Comment: p.Thr757Thr (T757T) ACG>ACA: c.2271 G>A in exon 16 of the ATP1A2 gene (NM_000702.3). The c.2271 G>A nucleotide substitution has not been published as a mutation, nor has it been reported as a benign polymorphism to our knowledge. Multiple in-silico algorithms predict that the c.2271 G>A substitution could potentially create a new cryptic acceptor site that may supplant the natural site in exon 16 and lead to abnormal splicing. However, in the absence of RNA/functional and clinical studies, the actual effect of the c.2271 G>A sequence change is unknown. The variant is found in EPILEPSY panel(s).